The following is an entry in ClinVar:

NM_015166.3(MLC1):c.-156C>T

Gene: MLC1 (modulator of VRAC current 1; minus strand). Cytogenetic location: 22q13.33.
Variant type: single nucleotide variant.
Coding change: c.-156C>T on transcript NM_015166.3; 156 bases upstream of the start codon, C replaced by T.
Molecular consequence: intron variant (on NM_001376474.1).
Genome position (GRCh38, 1-based): chr22:50,085,451, G>A on the plus strand (C>T on the coding strand, the complement: MLC1 is on the minus strand). VCF-style: chr22-50085451-G-A. GRCh37 (hg19) VCF-style: chr22-50523880-G-A.
Other names: c.-60+354C>T (NM_001376474.1); c.-217-155C>T (NM_001376475.1, NM_001376473.1); c.-60+250C>T (NM_001376476.1).
Identifiers: ClinVar variation 342113 (VCV000342113.8), dbSNP rs2076126, ClinGen allele CA10654203.

ClinVar aggregate classification (germline): Benign. Review status: criteria provided, multiple submitters, no conflicts (2 of 4 stars). 2 submissions from 2 submitters: Benign (2). Last evaluated 2018-01-12.

Conditions:
Megalencephalic leukoencephalopathy with subcortical cysts 1 (MLC1). Also called: LEUKOENCEPHALOPATHY WITH SWELLING AND CYSTS; VACUOLATING MEGALENCEPHALIC LEUKOENCEPHALOPATHY WITH SUBCORTICAL CYSTS. Identifiers: Orphanet 2478, MedGen C5779875, MONDO:0024555, OMIM 604004.

Allele frequency attached by ClinVar (database versions not stated): gnomAD 0.01015 and 0.01180; 1000 Genomes Project 0.02416; 1000 Genomes Project 30x 0.02295; TOPMed 0.01047; gnomAD exomes 0.02014.

Submissions (2):

Illumina Laboratory Services, Illumina
Classification: Benign for Megalencephalic leukoencephalopathy with subcortical cysts 1. Last evaluated: 2018-01-12. Review status: criteria provided, single submitter. Criteria: ICSL Variant Classification Criteria 13 December 2019. Collection method: clinical testing. Allele origin: germline.
Comment: This variant was observed in the ICSL laboratory as part of a predisposition screen in an ostensibly healthy population. It had not been previously curated by ICSL or reported in the Human Gene Mutation Database (HGMD: prior to June 1st, 2018), and was therefore a candidate for classification through an automated scoring system. Utilizing variant allele frequency, disease prevalence and penetrance estimates, and inheritance mode, an automated score was calculated to assess if this variant is too frequent to cause the disease. Based on the score and internal cut-off values, a variant classified as benign is not then subjected to further curation. The score for this variant resulted in a classification of benign for this disease.

Breakthrough Genomics
Classification: Benign. Review status: criteria provided, single submitter. Criteria: ACMG Guidelines, 2015. Collection method: not provided. Allele origin: germline. Inheritance: Autosomal recessive inheritance. Affected: yes.